The following is an entry in ClinVar:

NM_006031.6(PCNT):c.8338G>A (p.Val2780Met)

Gene: PCNT (pericentrin; plus strand). Cytogenetic location: 21q22.3.
Variant type: single nucleotide variant.
Coding change: c.8338G>A on transcript NM_006031.6 (MANE Select); coding-DNA position 8338, G replaced by A.
Protein change: p.Val2780Met; replaces valine 2780 with methionine.
Molecular consequence: missense variant.
Genome position (GRCh38, 1-based): chr21:46,431,802, G>A. VCF-style: chr21-46431802-G-A. GRCh37 (hg19) VCF-style: chr21-47851716-G-A.
Other names: c.7984G>A, p.Val2662Met (NM_001315529.2); short protein forms V2662M, V2780M.
Identifiers: ClinVar variation 4983501 (VCV004983501.1).
Genomic context (GRCh38, chr21:46,431,802, plus strand): 5'-GCCTTGCGGCACGAGCGGCTCCTGACCGAGCAGCTGAGCCAGAGGACACAGGAGGCTTGC[G>A]TGCACCAGGACACACAGGCCCATCACGCTCTGCTGCAGAAGCTGAAGGAGGAGAAGTCCC-3'
Protein context (NP_006022.3, residues 2770-2790): QLSQRTQEAC[Val2780Met]HQDTQAHHAL

ClinVar aggregate classification (germline): Uncertain significance (1 of 4 stars; one submission).

Conditions:
PCNT-related disorder. Also called: PCNT-related condition.

Submission:

PreventionGenetics, part of Exact Sciences
Classification: Uncertain significance for PCNT-related condition. Last evaluated: 2026-07-30. Review status: criteria provided, single submitter. Criteria: ACMG Guidelines, 2015. Collection method: clinical testing. Allele origin: germline.
Comment: The PCNT c.8338G>A variant is predicted to result in the amino acid substitution p.Val2780Met. To our knowledge, this variant has not been reported in the literature. This variant is reported in 0.0087% of alleles in individuals of Latino descent in gnomAD. At this time, the clinical significance of this variant is uncertain due to the absence of conclusive functional and genetic evidence.